The following is an entry in ClinVar:

NM_004643.4(PABPN1):c.15_26dup (p.Ala11_Gly12insAlaAlaAlaAla)

Genes: BCL2L2-PABPN1 (BCL2L2-PABPN1 readthrough; plus strand), PABPN1 (poly(A) binding protein nuclear 1; plus strand). Cytogenetic location: 14q11.2.
Variant type: Duplication.
Coding change: c.15_26dup on transcript NM_004643.4 (MANE Select); coding-DNA positions 15 to 26, 12 bases duplicated (GGCGGCGGCAGC).
Protein change: p.Ala11_Gly12insAlaAlaAlaAla.
Molecular consequence: inframe insertion. On other transcripts: intron variant (8).
Genome position (GRCh38, 1-based): chr14:23,321,484-23,321,495, GGCGGCGGCAGC duplicated; duplicating any 12 consecutive bases within chr14:23,321,482-23,321,495 gives the same sequence; the c. name uses the placement nearest the transcript's 3' end. VCF-style (leftmost placement, unchanged base first): chr14-23321481-G-GGCGGCGGCGGCA. GRCh37 (hg19) VCF-style: chr14-23790690-G-GGCGGCGGCGGCA.
Other names: c.15_26dup, p.Ala11_Gly12insAlaAlaAlaAla (NM_001360551.3); c.529-697_529-686dup (NM_001387343.1, NM_001387342.1, NM_001387344.1 and 1 more transcripts); c.433-697_433-686dup (NM_001387345.1, NM_001387346.1, NM_001199864.3); c.550-697_550-686dup (NM_001387340.1).
Identifiers: ClinVar variation 803008 (VCV000803008.23), dbSNP rs1594987281, ClinGen allele CA915948900.

ClinVar aggregate classification (germline): Pathogenic/Likely pathogenic. Review status: criteria provided, multiple submitters, no conflicts (2 of 4 stars). 2 submissions from 2 submitters: Pathogenic (1); Likely pathogenic (1). Last evaluated 2024-02-01.

Conditions:
Oculopharyngeal muscular dystrophy. Identifiers: Orphanet 270, MedGen C0270952, MONDO:0008116.

Submissions (2):

CeGaT Center for Human Genetics Tuebingen
Classification: Likely pathogenic. Last evaluated: 2024-02-01. Review status: criteria provided, single submitter. Criteria: CeGaT Center For Human Genetics Tuebingen Variant Classification Criteria Version 2. Collection method: clinical testing. Allele origin: germline. Affected: yes. Observed: 1 variant allele.
Comment: PABPN1: PM1:Strong, PM2, PM4

Mendelics
Classification: Pathogenic for Oculopharyngeal muscular dystrophy 1. Last evaluated: 2019-05-28. Review status: criteria provided, single submitter. Criteria: Mendelics Assertion Criteria 2017. Collection method: clinical testing. Allele origin: unknown.